The following is an entry in ClinVar:

ClinVar aggregate classification (germline): Uncertain significance. Review status: criteria provided, single submitter (1 of 4 stars). 2 submissions from 2 submitters: Uncertain significance (1). 1 of the submissions does not count toward it. Last evaluated 2020-06-27.

Conditions:
NPHP3-related disorder. Also called: NPHP3-related condition; NPHP3-related disorders. Identifiers: MedGen CN379163.
Nephronophthisis. Also called: Juvenile Nephronophthisis. Identifiers: Orphanet 655, MedGen C0687120, MONDO:0019005, HP:0000090.

Submissions (2):

Labcorp Genetics (formerly Invitae), Labcorp
Classification: Uncertain significance for Nephronophthisis. Last evaluated: 2020-06-27. Review status: criteria provided, single submitter. Criteria: Invitae Variant Classification Sherloc (09022015). Collection method: clinical testing. Allele origin: germline.
Comment: In summary, the available evidence is currently insufficient to determine the role of this variant in disease. Therefore, it has been classified as a Variant of Uncertain Significance. Algorithms developed to predict the effect of missense changes on protein structure and function are either unavailable or do not agree on the potential impact of this missense change (SIFT: "Deleterious"; PolyPhen-2: "Benign"; Align-GVGD: "Class C0"). This variant has not been reported in the literature in individuals with NPHP3-related conditions. This variant is not present in population databases (ExAC no frequency). This sequence change replaces tyrosine with phenylalanine at codon 98 of the NPHP3 protein (p.Tyr98Phe). The tyrosine residue is moderately conserved and there is a small physicochemical difference between tyrosine and phenylalanine.

PreventionGenetics, part of Exact Sciences
Classification: Uncertain significance for NPHP3-related condition. Last evaluated: 2024-07-08. Review status: no assertion criteria provided. Collection method: clinical testing. Allele origin: germline. Not counted in ClinVar's aggregate classification.
Comment: The NPHP3 c.293A>T variant is predicted to result in the amino acid substitution p.Tyr98Phe. To our knowledge, this variant has not been reported in the literature or in a large population database, indicating this variant is rare. At this time, the clinical significance of this variant is uncertain due to the absence of conclusive functional and genetic evidence.

NM_153240.5(NPHP3):c.293A>T (p.Tyr98Phe)

Genes: NPHP3 (nephrocystin 3; minus strand), NPHP3-ACAD11 (NPHP3-ACAD11 readthrough (NMD candidate); minus strand), NPHP3-AS1 (NPHP3 antisense RNA 1; plus strand). Cytogenetic location: 3q22.1.
Variant type: single nucleotide variant.
Coding change: c.293A>T on transcript NM_153240.5 (MANE Select); coding-DNA position 293, A replaced by T.
Protein change: p.Tyr98Phe; replaces tyrosine 98 with phenylalanine.
Molecular consequence: missense variant. On other transcripts: non-coding transcript variant (3).
Genome position (GRCh38, 1-based): chr3:132,722,063, T>A on the plus strand (A>T on the coding strand, the complement: NPHP3 is on the minus strand). VCF-style: chr3-132722063-T-A. GRCh37 (hg19) VCF-style: chr3-132440907-T-A.
Other names: c.293A>T (NM_153240.4); short protein forms Y98F.
Identifiers: ClinVar variation 1046372 (VCV001046372.10), dbSNP rs1553775714, ClinGen allele CA354589062.
Genomic context (GRCh38, chr3:132,722,063, plus strand): 5'-TTGGCCTCGCGGCGGCCCATGGACAACAACTCCTGGTTCTTGCTGACGCGAAAGATCTCG[T>A]ACTCCTTCCTGAGCCGCTCGTACTCGGCCGCCGCGTACTCCAGCTCTGGCACCGACGAGC-3'
Protein context (NP_694972.3, residues 88-108): AAEYERLRKE[Tyr98Phe]EIFRVSKNQE